The following is an entry in ClinVar:

NC_000003.12:g.169764627C>T

Gene: TERC (telomerase RNA component; minus strand). Cytogenetic location: 3q26.2.
Variant type: single nucleotide variant.
Genome position: GRCh38 VCF-style: chr3-169764627-C-T. GRCh37 (hg19) VCF-style: chr3-169482415-C-T.
Identifiers: ClinVar variation 1348947 (VCV001348947.6), dbSNP rs2108182735, ClinGen allele CA436714740.
Genomic context (GRCh38, chr3:169,764,627, plus strand): 5'-ATGCGCACGATCGGCGTTCCCCCCACCAACAGGAAAGCGAACTGCATGTGTGAGCCGAGT[C>T]CTGGGTGCACGTCCCACAGCTCAGGGAATCGCGCCGCGCGCGGGGACTCGCTCCGTTCCT-3'

ClinVar aggregate classification (germline): Uncertain significance (1 of 4 stars; one submission).

Conditions:
Dyskeratosis congenita, autosomal dominant 1 (DKCA1). Also called: Dyskeratosis congenita Scoggins type. Identifiers: Orphanet 1775, MedGen C4551974, MONDO:0007485, OMIM 127550. Inheritance: Variable.

Submission:

Labcorp Genetics (formerly Invitae), Labcorp
Classification: Uncertain significance for Dyskeratosis congenita, autosomal dominant 1. Last evaluated: 2024-04-10. Review status: criteria provided, single submitter. Criteria: Invitae Variant Classification Sherloc (09022015). Collection method: clinical testing. Allele origin: germline.
Comment: This variant occurs in the TERC gene, which encodes an RNA molecule that does not result in a protein product. This variant is not present in population databases (gnomAD no frequency). This variant has not been reported in the literature in individuals affected with TERC-related conditions. ClinVar contains an entry for this variant (Variation ID: 1348947). This variant is located within the BoxH/ACA scaRNA domain of the TERC RNA component, which is required for telomerase activity (PMID: 21844345). In summary, the available evidence is currently insufficient to determine the role of this variant in disease. Therefore, it has been classified as a Variant of Uncertain Significance.

Literature cited by the submitters: PubMed 21844345.